The following is an entry in ClinVar:

ClinVar aggregate classification (germline): Conflicting classifications of pathogenicity. Review status: criteria provided, conflicting classifications (1 of 4 stars). 8 submissions from 8 submitters: Uncertain significance (7); Likely benign (1). Last evaluated 2026-01-13.

Conditions:
Hereditary cancer-predisposing syndrome. Also called: Hereditary Cancer Syndrome; Hereditary neoplastic syndrome; Tumor predisposition; Neoplastic Syndromes, Hereditary. Identifiers: Orphanet 140162, MedGen C0027672, MeSH D009386, MONDO:0015356.
Familial medullary thyroid carcinoma (MTC). Also called: Familial Medullary Thyroid Carcinoma (FMTC); Thyroid cancer, familial medullary; MTC, familial. Identifiers: Orphanet 653, Orphanet 99361, MedGen C1833921, MONDO:0007958, OMIM 155240.
Pheochromocytoma. Also called: MAX-Related Hereditary Paraganglioma-Pheochromocytoma Syndrome. Identifiers: Orphanet 29072, MedGen C0031511, MONDO:0008233, OMIM 171300, HP:0002666.
Multiple endocrine neoplasia type 2A. Also called: Multiple Endocrine Neoplasia Type 2A (MEN2A); MULTIPLE ENDOCRINE NEOPLASIA, TYPE IIA; PTC SYNDROME; SIPPLE SYNDROME; MEN 2A; MEN-2A syndrome. Identifiers: Orphanet 247698, Orphanet 653, MedGen C0025268, MeSH D018813, MONDO:0008234, OMIM 171400.
Hirschsprung disease, susceptibility to, 1 (HSCR1). Also called: RET-Related Hirschsprung Disease. Identifiers: Orphanet 388, MedGen C3888239, MONDO:0007723, OMIM 142623.
Multiple endocrine neoplasia type 2B. Also called: WAGENMANN-FROBOESE SYNDROME; MULTIPLE ENDOCRINE NEOPLASIA, TYPE III; MUCOSAL NEUROMA SYNDROME; Multiple Endocrine Neoplasia Type 2B (MEN2B); Multiple endocrine neoplasia, type 3; MULTIPLE ENDOCRINE NEOPLASIA, TYPE IIB. Identifiers: Orphanet 247709, Orphanet 653, MedGen C0025269, MeSH D018814, MONDO:0008082, OMIM 162300.
RET-related disorder. Also called: RET-related disorders; RET-related condition; RET-related disease.
Multiple endocrine neoplasia, type 2 (MEN2). Identifiers: Orphanet 653, MedGen C4048306, MONDO:0019003. Disease mechanism: gain of function.

Allele frequency attached by ClinVar (database versions not stated): ExAC 0.00002; gnomAD exomes 0.00002.

Submissions (8):

Labcorp Genetics (formerly Invitae), Labcorp
Classification: Uncertain significance for Multiple endocrine neoplasia, type 2. Last evaluated: 2026-01-13. Review status: criteria provided, single submitter. Criteria: Invitae Variant Classification Sherloc (09022015). Collection method: clinical testing. Allele origin: germline.
Comment: This sequence change replaces leucine, which is neutral and non-polar, with isoleucine, which is neutral and non-polar, at codon 362 of the RET protein (p.Leu362Ile). This variant is present in population databases (rs773935854, gnomAD 0.02%). This variant has not been reported in the literature in individuals affected with RET-related conditions. ClinVar contains an entry for this variant (Variation ID: 477301). An algorithm developed to predict the effect of missense changes on protein structure and function outputs the following: PolyPhen-2: "Benign". The isoleucine amino acid residue is found in multiple mammalian species, which suggests that this missense change does not adversely affect protein function. In summary, the available evidence is currently insufficient to determine the role of this variant in disease. Therefore, it has been classified as a Variant of Uncertain Significance.

PreventionGenetics, part of Exact Sciences
Classification: Uncertain significance for RET-related condition. Last evaluated: 2025-10-27. Review status: criteria provided, single submitter. Criteria: ACMG Guidelines, 2015. Collection method: clinical testing. Allele origin: germline.
Comment: The RET c.1084C>A variant is predicted to result in the amino acid substitution p.Leu362Ile. This variant was reported in an individual with kidney and urinary tract abnormalities (CAKUT) (Supp. Table 3, Liu et al. 2022. PubMed ID: 36549658). This variant is reported in 0.022% of alleles in individuals of East Asian descent in gnomAD. This variant has conflicting interpretations in ClinVar ranging from uncertain to likely benign (Variation ID: 477301). At this time, the clinical significance of this variant is uncertain due to the absence of conclusive functional and genetic evidence.

Quest Diagnostics Nichols Institute San Juan Capistrano
Classification: Uncertain significance. Last evaluated: 2024-05-08. Review status: criteria provided, single submitter. Criteria: Quest Diagnostics criteria. Collection method: clinical testing. Allele origin: unknown.

Fulgent Genetics
Classification: Uncertain significance for Hirschsprung disease, susceptibility to, 1; Familial medullary thyroid carcinoma; Multiple endocrine neoplasia type 2B; Pheochromocytoma; Multiple endocrine neoplasia type 2A. Last evaluated: 2024-01-05. Review status: criteria provided, single submitter. Criteria: ACMG Guidelines, 2015. Collection method: clinical testing. Allele origin: germline.

GeneDx
Classification: Uncertain significance. Last evaluated: 2023-10-09. Review status: criteria provided, single submitter. Criteria: GeneDx Variant Classification Process June 2021. Collection method: clinical testing. Allele origin: germline. Affected: yes.
Comment: Not observed at significant frequency in large population cohorts (gnomAD); In silico analysis supports that this missense variant does not alter protein structure/function; Reported in an individual with vesicoureteral reflux (Liu et al., 2022); This variant is associated with the following publications: (PMID: 14633923, 36549658)

Color Diagnostics, LLC DBA Color Health
Classification: Uncertain significance for Multiple endocrine neoplasia, type 2. Last evaluated: 2023-09-13. Review status: criteria provided, single submitter. Criteria: ACMG Guidelines, 2015. Collection method: clinical testing. Allele origin: germline.
Comment: This missense variant replaces leucine with isoleucine at codon 362 of the RET protein. Computational prediction suggests that this variant may not impact protein structure and function. To our knowledge, functional studies have not been reported for this variant. This variant has not been reported in individuals affected with RET-related disorders in the literature. This variant has been identified in 4/250330 chromosomes in the general population by the Genome Aggregation Database (gnomAD). The available evidence is insufficient to determine the role of this variant in disease conclusively. Therefore, this variant is classified as a Variant of Uncertain Significance.

Ambry Genetics
Classification: Likely benign for Hereditary cancer-predisposing syndrome. Last evaluated: 2022-03-31. Review status: criteria provided, single submitter. Criteria: Ambry Variant Classification Scheme 2023. Collection method: clinical testing. Allele origin: germline.

Genetic Services Laboratory, University of Chicago
Classification: Uncertain significance. Last evaluated: 2019-08-27. Review status: criteria provided, single submitter. Criteria: ACMG Guidelines, 2015. Collection method: clinical testing. Allele origin: germline. Affected: no.

Literature cited by the submitters: PubMed 36549658 (cited by Quest Diagnostics Nichols Institute San Juan Capistrano).

NM_020975.6(RET):c.1084C>A (p.Leu362Ile)

Gene: RET (ret proto-oncogene; plus strand). Cytogenetic location: 10q11.21.
Variant type: single nucleotide variant.
Coding change: c.1084C>A on transcript NM_020975.6 (MANE Select); coding-DNA position 1084, C replaced by A.
Protein change: p.Leu362Ile; replaces leucine 362 with isoleucine.
Molecular consequence: missense variant.
Genome position (GRCh38, 1-based): chr10:43,109,051, C>A. VCF-style: chr10-43109051-C-A. GRCh37 (hg19) VCF-style: chr10-43604499-C-A.
Other names: c.1084C>A, p.Leu362Ile (NM_000323.2, NM_001406743.1, NM_001406744.1 and 6 more transcripts); c.322C>A, p.Leu108Ile (NM_001355216.2); c.955C>A, p.Leu319Ile (NM_001406761.1, NM_001406762.1, NM_001406764.1 and 1 more transcripts); c.796C>A, p.Leu266Ile (NM_001406766.1, NM_001406767.1, NM_001406770.1); c.646C>A, p.Leu216Ile (NM_001406771.1, NM_001406773.1); c.358C>A, p.Leu120Ile (NM_001406775.1, NM_001406776.1, NM_001406777.1 and 1 more transcripts); c.94C>A, p.Leu32Ile (NM_001406784.1); short protein forms L362I, L108I, L319I, L120I, L216I, L266I, L32I.
Identifiers: ClinVar variation 477301 (VCV000477301.21), dbSNP rs773935854, ClinGen allele CA031444.